The following is an entry in ClinVar:

NM_003640.5(ELP1):c.2727_2728delinsCTC (p.Lys909fs)

Gene: ELP1 (elongator acetyltransferase complex subunit 1; minus strand). Cytogenetic location: 9q31.3.
Variant type: Indel.
Coding change: c.2727_2728delinsCTC on transcript NM_003640.5 (MANE Select); coding-DNA positions 2727 to 2728, GT replaced by CTC.
Protein change: p.Lys909fs; shifts the reading frame from lysine 909.
Molecular consequence: frameshift variant.
Genome position (GRCh38, 1-based): chr9:108,896,504-108,896,505, AC replaced by GAG on the plus strand (GT replaced by CTC on the coding strand, the reverse complement: ELP1 is on the minus strand). VCF-style: chr9-108896504-AC-GAG. GRCh37 (hg19) VCF-style: chr9-111658784-AC-GAG.
Other names: c.2385_2386delinsCTC, p.Lys795fs (NM_001318360.2); c.1680_1681delinsCTC, p.Lys560fs (NM_001330749.2); short protein forms K560fs, K795fs, K909fs.
Identifiers: ClinVar variation 4815202 (VCV004815202.1).

ClinVar aggregate classification (germline): Likely pathogenic (1 of 4 stars; one submission).

Conditions:
Familial dysautonomia. Also called: HSAN III; FD. Identifiers: Orphanet 1764, MedGen C0013364, MONDO:0009131, OMIM 223900. Disease mechanism: loss of function.

Submission:

Natera, Inc.
Classification: Likely pathogenic for Familial dysautonomia. Last evaluated: 2024-03-26. Review status: criteria provided, single submitter. Criteria: Natera Variant Classification Schema (03/2026). Collection method: clinical testing. Allele origin: germline.
Comment: The c.2727_2728delGTinsCTC variant in ELP1 is a frameshift variant predicted to shift the reading frame beginning at codon 909 and leads to a stop codon 14 codons downstream. This variant is expected to result in nonsense mediated decay, truncation, or a dysfunctional protein product. This variant is rare in the general population with a frequency below the threshold expected for the associated phenotype(s). Given the available evidence, this variant is classified as Likely Pathogenic.